The following is an entry in ClinVar:

NM_000466.3(PEX1):c.31G>T (p.Gly11Trp)

Genes: PEX1 (peroxisomal biogenesis factor 1; minus strand), LOC129998796 (ATAC-STARR-seq lymphoblastoid silent region 18372; plus strand). Cytogenetic location: 7q21.2.
Variant type: single nucleotide variant.
Coding change: c.31G>T on transcript NM_000466.3 (MANE Select); coding-DNA position 31, G replaced by T.
Protein change: p.Gly11Trp; replaces glycine 11 with tryptophan.
Molecular consequence: missense variant. On other transcripts: 5 prime UTR variant (1).
Genome position (GRCh38, 1-based): chr7:92,528,405, C>A on the plus strand (G>T on the coding strand, the complement: PEX1 is on the minus strand). VCF-style: chr7-92528405-C-A. GRCh37 (hg19) VCF-style: chr7-92157719-C-A.
Other names: c.31G>T, p.Gly11Trp (NM_001282677.2); c.-629G>T (NM_001282678.2); short protein forms G11W.
Identifiers: ClinVar variation 2188787 (VCV002188787.2), dbSNP rs2484725863, ClinGen allele CA368207495.

ClinVar aggregate classification (germline): Uncertain significance. Review status: criteria provided, multiple submitters, no conflicts (2 of 4 stars). 2 submissions from 2 submitters: Uncertain significance (2). Last evaluated 2024-07-16.

Conditions:
Zellweger spectrum disorders (ZS). Also called: Zellweger Spectrum Disorder; Zellweger Spectrum; Zellweger syndrome; Zellweger Spectrum Disorder (ZSD). Identifiers: Orphanet 912, MedGen C0043459, MONDO:0019609.

Submissions (2):

Blueprint Genetics
Classification: Uncertain significance. Last evaluated: 2024-07-16. Review status: criteria provided, single submitter. Criteria: ACMG Guidelines, 2015. Collection method: clinical testing. Allele origin: germline.

Labcorp Genetics (formerly Invitae), Labcorp
Classification: Uncertain significance for Zellweger spectrum disorders. Last evaluated: 2022-06-28. Review status: criteria provided, single submitter. Criteria: Invitae Variant Classification Sherloc (09022015). Collection method: clinical testing. Allele origin: germline.
Comment: This sequence change replaces glycine, which is neutral and non-polar, with tryptophan, which is neutral and slightly polar, at codon 11 of the PEX1 protein (p.Gly11Trp). This variant is not present in population databases (gnomAD no frequency). This variant has not been reported in the literature in individuals affected with PEX1-related conditions. Algorithms developed to predict the effect of missense changes on protein structure and function are either unavailable or do not agree on the potential impact of this missense change (SIFT: "Deleterious"; PolyPhen-2: "Probably Damaging"; Align-GVGD: "Class C0"). In summary, the available evidence is currently insufficient to determine the role of this variant in disease. Therefore, it has been classified as a Variant of Uncertain Significance.